The following is an entry in ClinVar:

NM_000202.8(IDS):c.908C>T (p.Ser303Phe)

Genes: IDS (iduronate 2-sulfatase; minus strand), LOC106050102 (IDS recombination region; plus strand). Cytogenetic location: Xq28.
Variant type: single nucleotide variant.
Coding change: c.908C>T on transcript NM_000202.8 (MANE Select); coding-DNA position 908, C replaced by T.
Protein change: p.Ser303Phe; replaces serine 303 with phenylalanine.
Molecular consequence: missense variant. On other transcripts: non-coding transcript variant (1).
Genome position (GRCh38, 1-based): chrX:149,490,412, G>A on the plus strand (C>T on the coding strand, the complement: IDS is on the minus strand). VCF-style: chrX-149490412-G-A. GRCh37 (hg19) VCF-style: chrX-148571943-G-A.
Other names: p.Ser303Phe; c.638C>T, p.Ser213Phe (NM_001166550.4); c.908C>T, p.Ser303Phe (NM_006123.5); short protein forms S213F, S303F.
Identifiers: ClinVar variation 997011 (VCV000997011.5), dbSNP rs2124020665, ClinGen allele CA414520379.

ClinVar aggregate classification (germline): Pathogenic/Likely pathogenic. Review status: criteria provided, multiple submitters, no conflicts (2 of 4 stars). 3 submissions from 3 submitters: Pathogenic (1); Likely pathogenic (2). Last evaluated 2024-06-07.

Conditions:
Mucopolysaccharidosis, MPS-II (MPS2). Also called: Mucopolysaccharidosis type 2; Hunter Syndrome; IDURONATE 2-SULFATASE DEFICIENCY; Mucopolysaccharidosis Type II; IDS deficiency; Sulfoiduronate sulfatase deficiency. Identifiers: Orphanet 580, Orphanet 79388, MedGen C0026705, MONDO:0010674, OMIM 309900.

Submissions (3):

Laboratory of Diagnosis and Therapy of Lysosomal Disorders, University of Padova
Classification: Likely pathogenic for Mucopolysaccharidosis, MPS-II. Last evaluated: 2024-06-07. Review status: criteria provided, single submitter. Criteria: ACMG Guidelines, 2015. Collection method: literature only. Allele origin: germline. Affected: yes. Observed: 2 variant alleles.
Comment: De novo (PS2_Moderate), Absent from controls (or at low frequency) in gnomAD database (PM2_Moderate), Missense variant in a gene with a low rate of benign missense variation (PP2_Supporting), Multiple lines of computational evidence support a deleterious effect (PP3_Supporting), Patient’s phenotype or family history highly specific for the disease (PP4_Moderate)

Classification method: ACMG Guidelines [PMID:25741868] with modifications

Foundation for Research in Genetics and Endocrinology, FRIGE's Institute of Human Genetics
Classification: Pathogenic for Mucopolysaccharidosis, MPS-II. Last evaluated: 2022-03-12. Review status: criteria provided, single submitter. Criteria: ACMG Guidelines, 2015. Collection method: clinical testing. Allele origin: germline. Inheritance: X-linked recessive inheritance. Affected: yes. Observed: 1 hemizygote.
Comment: A hemizygous missense variant in exon 7 of the IDS gene that results in the amino acid substitution of Phenylalanine for Serine at codon 303 was detected. The observed variant c.908C>T (p.Ser303Phe) has not been reported in the 1000 genomes and gnomAD databases. The in silico prediction of the variant is disease causing by PROVEAN, SIFT and MutationTaster2. In summary, the variant meets our criteria to be classified as pathogenic.

Department of Medical Genetics, Sanjay Gandhi Post Graduate Institute of Medical Sciences
Classification: Likely pathogenic for Mucopolysaccharidosis, MPS-II. Review status: criteria provided, single submitter. Criteria: ACMG Guidelines, 2015. Collection method: clinical testing. Allele origin: maternal. Inheritance: X-linked inheritance. Affected: yes. Observed: 1 variant allele, 1 hemizygote.

Literature cited by the submitters: PubMed 35144014 (cited by Laboratory of Diagnosis and Therapy of Lysosomal Disorders, University of Padova); PubMed 22976768 (cited by Laboratory of Diagnosis and Therapy of Lysosomal Disorders, University of Padova).